The following is an entry in ClinVar:

NM_003070.5(SMARCA2):c.3779G>A (p.Arg1260Gln)

Gene: SMARCA2 (SWI/SNF related BAF chromatin remodeling complex subunit ATPase 2; plus strand). Cytogenetic location: 9p24.3.
Variant type: single nucleotide variant.
Coding change: c.3779G>A on transcript NM_003070.5 (MANE Select); coding-DNA position 3779, G replaced by A.
Protein change: p.Arg1260Gln; replaces arginine 1260 with glutamine.
Molecular consequence: missense variant.
Genome position (GRCh38, 1-based): chr9:2,123,735, G>A. VCF-style: chr9-2123735-G-A. GRCh37 (hg19) VCF-style: chr9-2123735-G-A.
Other names: c.3779G>A, p.Arg1260Gln (NM_001289396.2, NM_139045.4); c.3605G>A, p.Arg1202Gln (NM_001289397.2); short protein forms R1202Q, R1260Q.
Identifiers: ClinVar variation 1472213 (VCV001472213.8), dbSNP rs2130626217, ClinGen allele CA372790183.

ClinVar aggregate classification (germline): Uncertain significance (1 of 4 stars; one submission).

Submission:

Labcorp Genetics (formerly Invitae), Labcorp
Classification: Uncertain significance. Last evaluated: 2020-12-25. Review status: criteria provided, single submitter. Criteria: Invitae Variant Classification Sherloc (09022015). Collection method: clinical testing. Allele origin: germline.
Comment: In summary, the available evidence is currently insufficient to determine the role of this variant in disease. Therefore, it has been classified as a Variant of Uncertain Significance. Algorithms developed to predict the effect of missense changes on protein structure and function are either unavailable or do not agree on the potential impact of this missense change (SIFT: "Deleterious"; PolyPhen-2: "Benign"; Align-GVGD: "Class C0"). This variant has been observed in individual(s) with clinical features of SMARCA2-related conditions (Invitae). This variant is not present in population databases (ExAC no frequency). This sequence change replaces arginine with glutamine at codon 1260 of the SMARCA2 protein (p.Arg1260Gln). The arginine residue is highly conserved and there is a small physicochemical difference between arginine and glutamine.